The following is an entry in ClinVar:

NM_001166108.2(PALLD):c.1965-10T>A

Gene: PALLD (palladin, cytoskeletal associated protein; plus strand). Cytogenetic location: 4q32.3.
Variant type: single nucleotide variant.
Coding change: c.1965-10T>A on transcript NM_001166108.2 (MANE Select); 10 bases into the intron before coding-DNA position 1965, T replaced by A.
Molecular consequence: intron variant.
Genome position (GRCh38, 1-based): chr4:168,890,912, T>A. VCF-style: chr4-168890912-T-A. GRCh37 (hg19) VCF-style: chr4-169812063-T-A.
Other names: c.1965-10T>A (NM_016081.3, NM_016081.4); c.819-10T>A (NM_001166109.2); c.504-10T>A (NM_001166110.2); c.-157-10T>A (NM_001367570.1, NM_001367568.1, NM_001367567.1 and 1 more transcripts).
Identifiers: ClinVar variation 1167621 (VCV001167621.9), dbSNP rs149239490, ClinGen allele CA3135795.
Genomic context (GRCh38, chr4:168,890,912, plus strand): 5'-GACTTGAACGTTTGACTTGGATTTATATGCCTGACAACTAACTATACTGCCTTGTGTTTT[T>A]ATCCTGCAGAGGATTTCCAAAGAAGGCCAGTAGAACTGCTAGAATAGCCTCCGATGAGGA-3'

ClinVar aggregate classification (germline): Benign. Review status: criteria provided, single submitter (1 of 4 stars). 2 submissions from 2 submitters: Benign (1). 1 of the submissions does not count toward it. Last evaluated 2025-07-19.

Conditions:
Pancreatic adenocarcinoma. Identifiers: MedGen C0281361, MONDO:0006047, HP:0006725.
PALLD-related disorder. Also called: PALLD-related condition.

Allele frequency attached by ClinVar (database versions not stated): ESP Exome Variant Server 0.00023; TOPMed 0.00024; 1000 Genomes Project 0.00040; 1000 Genomes Project 30x 0.00062; gnomAD exomes 0.00002 and 0.00006; ExAC 0.00006; gnomAD 0.00019 and 0.00022.
gnomAD v4.1: 66 of 1,614,040 alleles (0.0041%); highest among the groups gnomAD compares: African/African-American, 0.084%; 1 homozygote.

Submissions (2):

Labcorp Genetics (formerly Invitae), Labcorp
Classification: Benign for Pancreatic adenocarcinoma. Last evaluated: 2025-07-19. Review status: criteria provided, single submitter. Criteria: Invitae Variant Classification Sherloc (09022015). Collection method: clinical testing. Allele origin: germline.

PreventionGenetics, part of Exact Sciences
Classification: Likely benign for PALLD-related condition. Last evaluated: 2021-12-31. Review status: no assertion criteria provided. Collection method: clinical testing. Allele origin: germline. Not counted in ClinVar's aggregate classification.
Comment: This variant is classified as likely benign based on ACMG/AMP sequence variant interpretation guidelines (Richards et al. 2015 PMID: 25741868, with internal and published modifications).